The following is an entry in ClinVar:

ClinVar aggregate classification (germline): Uncertain significance. Review status: criteria provided, multiple submitters, no conflicts (2 of 4 stars). 2 submissions from 2 submitters: Uncertain significance (2). Last evaluated 2025-08-22.

Allele frequency attached by ClinVar (database versions not stated): gnomAD exomes 0.00001; gnomAD 0.00002; ExAC 0.00003.
gnomAD v4.1: 23 of 1,611,888 alleles (0.0014%); highest among the groups gnomAD compares: Non-Finnish European, 0.0018%; no homozygotes.

Submissions (2):

Ambry Genetics
Classification: Uncertain significance. Last evaluated: 2025-08-22. Review status: criteria provided, single submitter. Criteria: Ambry Variant Classification Scheme 2023. Collection method: clinical testing. Allele origin: germline.

Labcorp Genetics (formerly Invitae), Labcorp
Classification: Uncertain significance. Last evaluated: 2024-10-08. Review status: criteria provided, single submitter. Criteria: Invitae Variant Classification Sherloc (09022015). Collection method: clinical testing. Allele origin: germline.
Comment: This sequence change replaces proline, which is neutral and non-polar, with threonine, which is neutral and polar, at codon 506 of the RELB protein (p.Pro506Thr). This variant is present in population databases (rs777648747, gnomAD 0.003%). This variant has not been reported in the literature in individuals affected with RELB-related conditions. ClinVar contains an entry for this variant (Variation ID: 1475359). An algorithm developed to predict the effect of missense changes on protein structure and function (PolyPhen-2) suggests that this variant is likely to be tolerated. In summary, the available evidence is currently insufficient to determine the role of this variant in disease. Therefore, it has been classified as a Variant of Uncertain Significance.

NM_006509.4(RELB):c.1516C>A (p.Pro506Thr)

Gene: RELB (RELB proto-oncogene, NF-kB subunit; plus strand). Cytogenetic location: 19q13.32.
Variant type: single nucleotide variant.
Coding change: c.1516C>A on transcript NM_006509.4 (MANE Select); coding-DNA position 1516, C replaced by A.
Protein change: p.Pro506Thr; replaces proline 506 with threonine.
Molecular consequence: missense variant.
Genome position (GRCh38, 1-based): chr19:45,037,566, C>A. VCF-style: chr19-45037566-C-A. GRCh37 (hg19) VCF-style: chr19-45540824-C-A.
Other names: c.1516C>A (NM_006509.3); short protein forms P506T.
Identifiers: ClinVar variation 1475359 (VCV001475359.7), dbSNP rs777648747, ClinGen allele CA9507887.
Genomic context (GRCh38, chr19:45,037,566, plus strand): 5'-GACGATGGCTTTGCCTACGACCCTACGGCCCCCACACTCTTCACCATGCTGGACCTGCTG[C>A]CCCCGGCACCGCCACACGCTAGCGCTGTTGTGTGCAGCGGAGGTGCCGGGGCCGTGGTTG-3'
Protein context (NP_006500.2, residues 496-516): PTLFTMLDLL[Pro506Thr]PAPPHASAVV